The following is an entry in ClinVar:

NM_001384900.1(SEMA3D):c.1558A>G (p.Ile520Val)

Gene: SEMA3D (semaphorin 3D; minus strand). Cytogenetic location: 7q21.11.
Variant type: single nucleotide variant.
Coding change: c.1558A>G on transcript NM_001384900.1 (MANE Select); coding-DNA position 1558, A replaced by G.
Protein change: p.Ile520Val; replaces isoleucine 520 with valine.
Molecular consequence: missense variant.
Genome position (GRCh38, 1-based): chr7:85,015,204, T>C on the plus strand (A>G on the coding strand, the complement: SEMA3D is on the minus strand). VCF-style: chr7-85015204-T-C. GRCh37 (hg19) VCF-style: chr7-84644520-T-C.
Other names: c.1558A>G, p.Ile520Val (NM_001384901.1, NM_001384902.1, NM_001384903.1 and 1 more transcripts); short protein forms I520V.
Identifiers: ClinVar variation 3344261 (VCV003344261.1).

ClinVar aggregate classification (germline): Uncertain significance (0 of 4 stars; one submission).

Conditions:
SEMA3D-related disorder. Also called: SEMA3D-related condition.

gnomAD v4.1: 1 of 1,606,988 alleles (0.000062%); highest among the groups gnomAD compares: African/African-American, 0.0013%; no homozygotes.

Submission:

PreventionGenetics, part of Exact Sciences
Classification: Uncertain significance for SEMA3D-related condition. Last evaluated: 2024-07-17. Review status: no assertion criteria provided. Collection method: clinical testing. Allele origin: germline.
Comment: The SEMA3D c.1558A>G variant is predicted to result in the amino acid substitution p.Ile520Val. To our knowledge, this variant has not been reported in the literature or in a large population database, indicating this variant is rare. At this time, the clinical significance of this variant is uncertain due to the absence of conclusive functional and genetic evidence.